The following is an entry in ClinVar:

NM_198271.5(LMOD3):c.1427C>T (p.Pro476Leu)

Gene: LMOD3 (leiomodin 3; minus strand). Cytogenetic location: 3p14.1.
Variant type: single nucleotide variant.
Coding change: c.1427C>T on transcript NM_198271.5 (MANE Select); coding-DNA position 1427, C replaced by T.
Protein change: p.Pro476Leu; replaces proline 476 with leucine.
Molecular consequence: missense variant.
Genome position (GRCh38, 1-based): chr3:69,118,928, G>A on the plus strand (C>T on the coding strand, the complement: LMOD3 is on the minus strand). VCF-style: chr3-69118928-G-A. GRCh37 (hg19) VCF-style: chr3-69168079-G-A.
Other names: c.1427C>T (NM_198271.3); c.1427C>T, p.Pro476Leu (NM_001304418.3); short protein forms P476L.
Identifiers: ClinVar variation 858092 (VCV000858092.9), dbSNP rs751389222, ClinGen allele CA2488784.
Genomic context (GRCh38, chr3:69,118,928, plus strand): 5'-TTGCGCTGGATTCTCTTCAGCTTCACCACCCGGAAGGAGTCAGGGTCTGTCCTGTACTTC[G>A]GGGCCTGCGATGGCTTTTTCATCATTTCACTGCGTTGACTAAAGGGGACATTTTGGGGGT-3'
Protein context (NP_938012.2, residues 466-486): SEMMKKPSQA[Pro476Leu]KYRTDPDSFR

ClinVar aggregate classification (germline): Uncertain significance. Review status: criteria provided, multiple submitters, no conflicts (2 of 4 stars). 3 submissions from 3 submitters: Uncertain significance (3). Last evaluated 2026-04-20.

Conditions:
Inborn genetic diseases. Identifiers: MedGen C0950123, MeSH D030342.
Nemaline myopathy 10 (NEM10). Identifiers: MedGen C4015360, MONDO:0014513, OMIM 616165.

Allele frequency attached by ClinVar (database versions not stated): ExAC 0.00001; gnomAD 0.00001; TOPMed 0.00002.
gnomAD v4.1: 6 of 1,611,908 alleles (0.00037%); highest among the groups gnomAD compares: African/African-American, 0.004%; no homozygotes.

Submissions (3):

GeneDx
Classification: Uncertain significance. Last evaluated: 2026-04-20. Review status: criteria provided, single submitter. Criteria: GeneDx Variant Classification Process June 2021. Collection method: clinical testing. Allele origin: germline.
Comment: Not observed at significant frequency in large population cohorts (gnomAD); In silico analysis supports that this missense variant has a deleterious effect on protein structure/function; Has not been previously published as pathogenic or benign to our knowledge

Labcorp Genetics (formerly Invitae), Labcorp
Classification: Uncertain significance for Nemaline myopathy 10. Last evaluated: 2024-08-05. Review status: criteria provided, single submitter. Criteria: Invitae Variant Classification Sherloc (09022015). Collection method: clinical testing. Allele origin: germline.
Comment: This sequence change replaces proline, which is neutral and non-polar, with leucine, which is neutral and non-polar, at codon 476 of the LMOD3 protein (p.Pro476Leu). The frequency data for this variant in the population databases is considered unreliable, as metrics indicate poor data quality at this position in the gnomAD database. This variant has not been reported in the literature in individuals affected with LMOD3-related conditions. ClinVar contains an entry for this variant (Variation ID: 858092). An algorithm developed to predict the effect of missense changes on protein structure and function (PolyPhen-2) suggests that this variant is likely to be tolerated. In summary, the available evidence is currently insufficient to determine the role of this variant in disease. Therefore, it has been classified as a Variant of Uncertain Significance.

Ambry Genetics
Classification: Uncertain significance for Inborn genetic diseases. Last evaluated: 2023-08-28. Review status: criteria provided, single submitter. Criteria: Ambry Variant Classification Scheme 2023. Collection method: clinical testing. Allele origin: germline.